The following is an entry in ClinVar:

ClinVar aggregate classification (germline): Likely benign. Review status: criteria provided, single submitter (1 of 4 stars). 2 submissions from 2 submitters: Likely benign (1). 1 of the submissions does not count toward it. Last evaluated 2026-01-12.

Conditions:
COL27A1-related disorder. Also called: COL27A1-related condition.

Allele frequency attached by ClinVar (database versions not stated): ExAC 0.00027; gnomAD exomes 0.00029 and 0.00006; gnomAD 0.00007; TOPMed 0.00012.
gnomAD v4.1: 90 of 1,608,104 alleles (0.0056%); highest among the groups gnomAD compares: Admixed American, 0.14%; no homozygotes.

Submissions (2):

Labcorp Genetics (formerly Invitae), Labcorp
Classification: Likely benign. Last evaluated: 2026-01-12. Review status: criteria provided, single submitter. Criteria: Invitae Variant Classification Sherloc (09022015). Collection method: clinical testing. Allele origin: germline.

PreventionGenetics, part of Exact Sciences
Classification: Likely benign for COL27A1-related condition. Last evaluated: 2019-08-20. Review status: no assertion criteria provided. Collection method: clinical testing. Allele origin: germline. Not counted in ClinVar's aggregate classification.
Comment: This variant is classified as likely benign based on ACMG/AMP sequence variant interpretation guidelines (Richards et al. 2015 PMID: 25741868, with internal and published modifications).

NM_032888.4(COL27A1):c.2835+6A>G

Gene: COL27A1 (collagen type XXVII alpha 1 chain; plus strand). Cytogenetic location: 9q32.
Variant type: single nucleotide variant.
Coding change: c.2835+6A>G on transcript NM_032888.4 (MANE Select); 6 bases into the intron after coding-DNA position 2835, A replaced by G.
Molecular consequence: intron variant.
Genome position (GRCh38, 1-based): chr9:114,240,493, A>G. VCF-style: chr9-114240493-A-G. GRCh37 (hg19) VCF-style: chr9-117002773-A-G.
Identifiers: ClinVar variation 712724 (VCV000712724.11), dbSNP rs749800594, ClinGen allele CA5202091.